The following is an entry in ClinVar:

ClinVar aggregate classification (germline): Conflicting classifications of pathogenicity. Review status: criteria provided, conflicting classifications (1 of 4 stars). 2 submissions from 2 submitters: Pathogenic (1); Uncertain significance (1). Last evaluated 2025-11-17.

Conditions:
SMAD6-related disease. Also called: SMAD6-related condition; SMAD6-related disorder. Identifiers: MedGen CN381596, MONDO:0700324.

Submissions (2):

PreventionGenetics, part of Exact Sciences
Classification: Uncertain significance for SMAD6-related condition. Last evaluated: 2025-11-17. Review status: criteria provided, single submitter. Criteria: ACMG Guidelines, 2015. Collection method: clinical testing. Allele origin: germline.
Comment: The SMAD6 c.433delC variant is predicted to result in a frameshift and premature protein termination (p.Leu145Trpfs*36). To our knowledge, this variant has not been reported in the literature or in a large population database (gnomAD), indicating this variant is rare. However, the SMAD6 gene is predicted to largely be tolerant of loss of function variants as more loss of function and nonsense variants are observed than expected in the gnomAD database (Lek et al. 2016. PubMed ID: 27535533). Although we suspect that this variant may be pathogenic, at this time, the clinical significance of this variant is uncertain due to the absence of conclusive functional and genetic evidence.

GeneDx
Classification: Pathogenic. Last evaluated: 2025-07-01. Review status: criteria provided, single submitter. Criteria: GeneDx Variant Classification Process June 2021. Collection method: clinical testing. Allele origin: germline.
Comment: Frameshift variant predicted to result in protein truncation or nonsense mediated decay in a gene for which loss of function is a known mechanism of disease; Not observed at significant frequency in large population cohorts (gnomAD); Has not been previously published as pathogenic or benign to our knowledge

NM_005585.5(SMAD6):c.433del (p.Leu145fs)

Gene: SMAD6 (SMAD family member 6; plus strand). Cytogenetic location: 15q22.31.
Variant type: Deletion.
Coding change: c.433del on transcript NM_005585.5 (MANE Select); coding-DNA position 433, one base deleted (C; older notation c.433delC).
Protein change: p.Leu145fs; shifts the reading frame from leucine 145.
Molecular consequence: frameshift variant. On other transcripts: non-coding transcript variant (1).
Genome position (GRCh38, 1-based): chr15:66,703,691, C deleted; the last of 5 consecutive C bases (chr15:66,703,687-66,703,691); deleting any one gives the same sequence. VCF-style (leftmost placement, unchanged base first): chr15-66703686-AC-A. GRCh37 (hg19) VCF-style: chr15-66996024-AC-A.
Other names: c.433delC (NM_005585.4); short protein forms L145fs.
Identifiers: ClinVar variation 3906525 (VCV003906525.3).